The following is an entry in ClinVar:

NM_023067.4(FOXL2):c.556dup (p.Tyr186fs)

Gene: FOXL2 (forkhead box L2; minus strand). Cytogenetic location: 3q22.3.
Variant type: Duplication.
Coding change: c.556dup on transcript NM_023067.4 (MANE Select); coding-DNA position 556, one base duplicated (T; older notation c.556dupT).
Protein change: p.Tyr186fs; shifts the reading frame from tyrosine 186.
Genome position (GRCh38, 1-based): chr3:138,946,167, A duplicated on the plus strand (T on the coding strand, the reverse complement: FOXL2 is on the minus strand). VCF-style (leftmost placement, unchanged base first): chr3-138946166-T-TA. GRCh37 (hg19) VCF-style: chr3-138665008-T-TA.
Other names: short protein forms Y186fs.
Identifiers: ClinVar variation 1691809 (VCV001691809.2), dbSNP rs2107744072, ClinGen allele CA2573136579.

ClinVar aggregate classification (germline): Likely pathogenic (1 of 4 stars; one submission).

Submission:

GeneDx
Classification: Likely pathogenic. Last evaluated: 2021-12-10. Review status: criteria provided, single submitter. Criteria: GeneDx Variant Classification Process June 2021. Collection method: clinical testing. Allele origin: germline. Affected: yes.
Comment: Frameshift variant predicted to result in protein truncation, as the last 191 amino acids are replaced with 52 different amino acids, and other loss-of-function variants have been reported downstream in the Human Gene Mutation Database (HGMD); Not observed at significant frequency in large population cohorts (gnomAD); This variant is associated with the following publications: (PMID: 24077912, 18642388)